The following is an entry in ClinVar:

NM_198578.4(LRRK2):c.5686G>C (p.Ala1896Pro)

Gene: LRRK2 (leucine rich repeat kinase 2; plus strand). Cytogenetic location: 12q12.
Variant type: single nucleotide variant.
Coding change: c.5686G>C on transcript NM_198578.4 (MANE Select); coding-DNA position 5686, G replaced by C.
Protein change: p.Ala1896Pro; replaces alanine 1896 with proline.
Molecular consequence: missense variant.
Genome position (GRCh38, 1-based): chr12:40,328,389, G>C. VCF-style: chr12-40328389-G-C. GRCh37 (hg19) VCF-style: chr12-40722191-G-C.
Other names: short protein forms A1896P.
Identifiers: ClinVar variation 1749052 (VCV001749052.2), dbSNP rs2499907410, ClinGen allele CA384399460.
Genomic context (GRCh38, chr12:40,328,389, plus strand): 5'-ATTTAAGTGCTTTGTATTTTCTTTTCAAAAGGTGATGGCAGTTTTGGATCAGTTTACCGA[G>C]CAGCCTATGAAGGAGAAGAAGTGGCTGTGAAGATTTTTAATAAACATACATCACTCAGGC-3'
Protein context (NP_940980.4, residues 1886-1906): GDGSFGSVYR[Ala1896Pro]AYEGEEVAVK

ClinVar aggregate classification (germline): Uncertain significance (1 of 4 stars; one submission).

Conditions:
Inborn genetic diseases. Identifiers: MedGen C0950123, MeSH D030342.

Submission:

Ambry Genetics
Classification: Uncertain significance for Inborn genetic diseases. Last evaluated: 2021-08-24. Review status: criteria provided, single submitter. Criteria: Ambry Variant Classification Scheme 2023. Collection method: clinical testing. Allele origin: germline.
Comment: The p.A1896P variant (also known as c.5686G>C), located in coding exon 39 of the LRRK2 gene, results from a G to C substitution at nucleotide position 5686. The alanine at codon 1896 is replaced by proline, an amino acid with highly similar properties. This amino acid position is conserved. In addition, this alteration is predicted to be deleterious by in silico analysis. Since supporting evidence is limited at this time, the clinical significance of this alteration remains unclear.